The following is an entry in ClinVar:

ClinVar aggregate classification (germline): Pathogenic (1 of 4 stars; one submission).

Conditions:
Hereditary breast ovarian cancer syndrome. Also called: BRCA1- and BRCA2-Associated Hereditary Breast and Ovarian Cancer; Hereditary breast and ovarian cancer; Hereditary breast and ovarian cancer syndrome (HBOC); Hereditary breast and/or ovarian cancer syndrome; Hereditary breast and ovarian cancer syndrome; Breast and ovarian cancer. Identifiers: Orphanet 145, MedGen C0677776, MeSH D061325, MONDO:0003582. Disease mechanism: loss of function.

Submission:

Labcorp Genetics (formerly Invitae), Labcorp
Classification: Pathogenic for Hereditary breast ovarian cancer syndrome. Last evaluated: 2021-09-04. Review status: criteria provided, single submitter. Criteria: Invitae Variant Classification Sherloc (09022015). Collection method: clinical testing. Allele origin: germline.
Comment: This sequence change creates a premature translational stop signal (p.Val1814*) in the BRCA2 gene. It is expected to result in an absent or disrupted protein product. Loss-of-function variants in BRCA2 are known to be pathogenic (PMID: 20104584). This variant is not present in population databases (ExAC no frequency). This premature translational stop signal has been observed in individual(s) with breast cancer (PMID: 16616110). For these reasons, this variant has been classified as Pathogenic.

Literature cited by the submitters: PubMed 20104584; PubMed 16616110.

NM_000059.4(BRCA2):c.5437del (p.Leu1813_Val1814insTer)

Gene: BRCA2 (BRCA2 DNA repair associated; plus strand). Cytogenetic location: 13q13.1.
Variant type: Deletion.
Coding change: c.5437del on transcript NM_000059.4 (MANE Select); coding-DNA position 5437, one base deleted (C; older notation c.5437delC).
Protein change: p.Leu1813_Val1814insTer.
Molecular consequence: frameshift variant.
Genome position (GRCh38, 1-based): chr13:32,339,792, C deleted. VCF-style (leftmost placement, unchanged base first): chr13-32339791-AC-A. GRCh37 (hg19) VCF-style: chr13-32913928-AC-A.
Identifiers: ClinVar variation 1447601 (VCV001447601.6), dbSNP rs2137517530, ClinGen allele CA2573149356.